The following is an entry in ClinVar:

ClinVar aggregate classification (germline): Uncertain significance. Review status: criteria provided, multiple submitters, no conflicts (2 of 4 stars). 3 submissions from 3 submitters: Uncertain significance (2). 1 of the submissions does not count toward it. Last evaluated 2024-10-07.

Conditions:
Microcephalic osteodysplastic primordial dwarfism type II (MOPD2). Also called: Microcephalic osteodysplastic primordial dwarfism with tooth abnormalities; MOPD II; OSTEODYSPLASTIC PRIMORDIAL DWARFISM, TYPE II. Identifiers: Orphanet 2637, MedGen C0432246, MONDO:0008872, OMIM 210720.
PCNT-related disorder. Also called: PCNT-related condition.

Allele frequency attached by ClinVar (database versions not stated): gnomAD exomes 0.00002 and 0.00003; gnomAD 0.00004.

Submissions (3):

Labcorp Genetics (formerly Invitae), Labcorp
Classification: Uncertain significance. Last evaluated: 2024-10-07. Review status: criteria provided, single submitter. Criteria: Invitae Variant Classification Sherloc (09022015). Collection method: clinical testing. Allele origin: germline.
Comment: This sequence change replaces glycine, which is neutral and non-polar, with serine, which is neutral and polar, at codon 2049 of the PCNT protein (p.Gly2049Ser). The frequency data for this variant in the population databases is considered unreliable, as metrics indicate poor data quality at this position in the gnomAD database. This variant has not been reported in the literature in individuals affected with PCNT-related conditions. ClinVar contains an entry for this variant (Variation ID: 897573). An algorithm developed to predict the effect of missense changes on protein structure and function outputs the following: PolyPhen-2: "Benign". The serine amino acid residue is found in multiple mammalian species, which suggests that this missense change does not adversely affect protein function. In summary, the available evidence is currently insufficient to determine the role of this variant in disease. Therefore, it has been classified as a Variant of Uncertain Significance.

Illumina Laboratory Services, Illumina
Classification: Uncertain significance for Microcephalic osteodysplastic primordial dwarfism type II. Last evaluated: 2018-01-13. Review status: criteria provided, single submitter. Criteria: ICSL Variant Classification Criteria 13 December 2019. Collection method: clinical testing. Allele origin: germline.

PreventionGenetics, part of Exact Sciences
Classification: Uncertain significance for PCNT-related condition. Last evaluated: 2024-08-09. Review status: no assertion criteria provided. Collection method: clinical testing. Allele origin: germline. Not counted in ClinVar's aggregate classification.
Comment: The PCNT c.6145G>A variant is predicted to result in the amino acid substitution p.Gly2049Ser. To our knowledge, this variant has not been reported in the literature. This variant is reported in 0.012% of alleles in individuals of African descent in gnomAD. At this time, the clinical significance of this variant is uncertain due to the absence of conclusive functional and genetic evidence.

NM_006031.6(PCNT):c.6145G>A (p.Gly2049Ser)

Gene: PCNT (pericentrin; plus strand). Cytogenetic location: 21q22.3.
Variant type: single nucleotide variant.
Coding change: c.6145G>A on transcript NM_006031.6 (MANE Select); coding-DNA position 6145, G replaced by A.
Protein change: p.Gly2049Ser; replaces glycine 2049 with serine.
Molecular consequence: missense variant.
Genome position (GRCh38, 1-based): chr21:46,412,987, G>A. VCF-style: chr21-46412987-G-A. GRCh37 (hg19) VCF-style: chr21-47832901-G-A.
Other names: c.5791G>A, p.Gly1931Ser (NM_001315529.2); short protein forms G1931S, G2049S.
Identifiers: ClinVar variation 897573 (VCV000897573.11), dbSNP rs10222114, ClinGen allele CA321998469.